The following is an entry in ClinVar:

ClinVar aggregate classification (germline): Uncertain significance (1 of 4 stars; one submission).

Conditions:
Cardiovascular phenotype. Identifiers: MedGen CN230736.

Submission:

Ambry Genetics
Classification: Uncertain significance for Cardiovascular phenotype. Last evaluated: 2017-07-25. Review status: criteria provided, single submitter. Criteria: Ambry Variant Classification Scheme 2023. Collection method: clinical testing. Allele origin: germline.
Comment: The p.P59S variant (also known as c.175C>T), located in coding exon 3 of the RYR2 gene, results from a C to T substitution at nucleotide position 175. The proline at codon 59 is replaced by serine, an amino acid with similar properties. This amino acid position is highly conserved in available vertebrate species. In addition, the in silico prediction for this alteration is inconclusive. Since supporting evidence is limited at this time, the clinical significance of this alteration remains unclear.

NM_001035.3(RYR2):c.175C>T (p.Pro59Ser)

Gene: RYR2 (ryanodine receptor 2; plus strand). Cytogenetic location: 1q43.
Variant type: single nucleotide variant.
Coding change: c.175C>T on transcript NM_001035.3 (MANE Select); coding-DNA position 175, C replaced by T.
Protein change: p.Pro59Ser; replaces proline 59 with serine.
Molecular consequence: missense variant.
Genome position (GRCh38, 1-based): chr1:237,330,884, C>T. VCF-style: chr1-237330884-C-T. GRCh37 (hg19) VCF-style: chr1-237494184-C-T.
Other names: c.175C>T, p.Pro59Ser (LRG_402t1); short protein forms P59S.
Identifiers: ClinVar variation 519490 (VCV000519490.5), dbSNP rs1553405121, ClinGen allele CA345654551.